The following is an entry in ClinVar:

ClinVar aggregate classification (germline): Likely pathogenic. Review status: criteria provided, single submitter (1 of 4 stars). 3 submissions from 2 submitters: Likely pathogenic (1). 2 of the submissions do not count toward it. Last evaluated 2017-06-23.

Conditions:
Inborn genetic diseases. Identifiers: MedGen C0950123, MeSH D030342.
Hearing loss, autosomal recessive 115. Also called: Deafness, autosomal recessive 115. Identifiers: MedGen C5193108, MONDO:0032762, OMIM 618457.

Submissions (3):

Ambry Genetics
Classification: Likely pathogenic for Hereditary disease. Last evaluated: 2017-06-23. Review status: criteria provided, single submitter. Criteria: ambry_reporting_categories_2017. Collection method: clinical testing. Allele origin: germline. Affected: yes. Observed: 1 heterozygote. Segregation with disease observed.
Comment: Lines of evidence used in support of classification: CANDIDATE: Alteration(s) of Potential Clinical Relevance Detected

OMIM
Classification: Pathogenic for DEAFNESS, AUTOSOMAL RECESSIVE 115 (1 patient). Last evaluated: 2019-06-03. Review status: no assertion criteria provided. Collection method: literature only. Allele origin: germline. Not counted in ClinVar's aggregate classification.

Ambry Genetics
Classification: Likely pathogenic for Hereditary disease. Last evaluated: 2018-01-04. Review status: flagged submission. Criteria: ambry_reporting_categories_2017. Collection method: clinical testing. Allele origin: germline. Affected: yes. Observed: 1 heterozygote. Segregation with disease observed. Not counted in ClinVar's aggregate classification.
Comment: the same text as in the submission from Ambry Genetics above.
ClinVar note: Reason: This record appears to be redundant with a more recent record from the same submitter.
ClinVar note: Notes: SCV000742638 appears to be redundant with SCV000742640.

Literature cited by the submitters: PubMed 25356849 (cited by Ambry Genetics); PubMed 19074308 (cited by Ambry Genetics); PubMed 27899622 (cited by Ambry Genetics); PubMed 30973865 (cited by OMIM).

NM_001124758.2(SPNS2):c.c.1066_1067delinsT (p.Pro356Cysfs)

Gene: SPNS2 (SPNS lysolipid transporter 2, sphingosine-1-phosphate; plus strand). Cytogenetic location: 17p13.2.
Variant type: Indel.
Molecular consequence: frameshift variant (on NM_001124758.3).
Genome position: GRCh38 VCF-style: chr17-4533107-CC-T. GRCh37 (hg19) VCF-style: chr17-4436402-CC-T.
Other names: c.1066_1067delinsT, p.Pro356fs (NM_001124758.3); short protein forms P356fs.
Identifiers: ClinVar variation 521864 (VCV000521864.3), dbSNP rs1555537637, ClinGen allele CA658798680.
Genomic context (GRCh38, chr17:4,533,107, plus strand): 5'-ATCCCGCTCTACCTGCACCGCGCCCAAGTTGTGCAGAAGACAGCAGAGACGTGCAACAGC[CC>T]GCCCTGTGGGGCCAAGGACAGGTGGGGCCCCGCGGGGTGGGCCCAGGGCTGGTGAGGGAC-3'